The following is an entry in ClinVar:

NM_001458.5(FLNC):c.2550+3dup

Gene: FLNC (filamin C; plus strand). Cytogenetic location: 7q32.1.
Variant type: Duplication.
Coding change: c.2550+3dup on transcript NM_001458.5 (MANE Select); 3 bases into the intron after coding-DNA position 2550, one base duplicated (A; older notation c.2550+3dupA).
Molecular consequence: intron variant.
Genome position (GRCh38, 1-based): chr7:128,842,957, A duplicated. VCF-style (leftmost placement, unchanged base first): chr7-128842956-T-TA. GRCh37 (hg19) VCF-style: chr7-128483010-T-TA.
Other names: c.2550+3dup (NM_001127487.2).
Identifiers: ClinVar variation 2922397 (VCV002922397.3), dbSNP rs1172497427, ClinGen allele CA578150429.

ClinVar aggregate classification (germline): Uncertain significance (1 of 4 stars; one submission).

Conditions:
Myofibrillar myopathy 5. Also called: FILAMINOPATHY, AUTOSOMAL DOMINANT; Filaminopathy (type). Identifiers: Orphanet 171445, MedGen C1836050, MONDO:0012289, OMIM 609524.
Hypertrophic cardiomyopathy 26. Also called: Cardiomyopathy, familial hypertrophic, 26. Identifiers: Orphanet 75249, MedGen C4310749, MONDO:0014883, OMIM 617047.
Distal myopathy with posterior leg and anterior hand involvement. Also called: WILLIAMS DISTAL MYOPATHY. Identifiers: Orphanet 63273, MedGen C3279722, MONDO:0013550, OMIM 614065.

Allele frequency attached by ClinVar (database versions not stated): gnomAD exomes below 0.00001.

Submission:

Labcorp Genetics (formerly Invitae), Labcorp
Classification: Uncertain significance for Distal myopathy with posterior leg and anterior hand involvement; Myofibrillar myopathy 5; Hypertrophic cardiomyopathy 26. Last evaluated: 2024-01-24. Review status: criteria provided, single submitter. Criteria: Invitae Variant Classification Sherloc (09022015). Collection method: clinical testing. Allele origin: germline.
Comment: This sequence change falls in intron 16 of the FLNC gene. It does not directly change the encoded amino acid sequence of the FLNC protein. It affects a nucleotide within the consensus splice site. This variant is present in population databases (no rsID available, gnomAD 0.003%). This variant has not been reported in the literature in individuals affected with FLNC-related conditions. Experimental studies and prediction algorithms are not available or were not evaluated, and the functional significance of this variant is currently unknown. Variants that disrupt the consensus splice site are a relatively common cause of aberrant splicing (PMID: 17576681, 9536098). Algorithms developed to predict the effect of sequence changes on RNA splicing suggest that this variant is not likely to affect RNA splicing. In summary, the available evidence is currently insufficient to determine the role of this variant in disease. Therefore, it has been classified as a Variant of Uncertain Significance.

Literature cited by the submitters: PubMed 17576681; PubMed 9536098.